The following is an entry in ClinVar:

NM_153766.3(KCNJ1):c.875G>A (p.Arg292Gln)

Gene: KCNJ1 (potassium inwardly rectifying channel subfamily J member 1; minus strand). Cytogenetic location: 11q24.3.
Variant type: single nucleotide variant.
Coding change: c.875G>A on transcript NM_153766.3 (MANE Select); coding-DNA position 875, G replaced by A.
Protein change: p.Arg292Gln; replaces arginine 292 with glutamine.
Molecular consequence: missense variant.
Genome position (GRCh38, 1-based): chr11:128,839,369, C>T on the plus strand (G>A on the coding strand, the complement: KCNJ1 is on the minus strand). VCF-style: chr11-128839369-C-T. GRCh37 (hg19) VCF-style: chr11-128709264-C-T.
Other names: c.932G>A, p.Arg311Gln (NM_000220.6); c.875G>A, p.Arg292Gln (NM_153764.3, NM_153767.4); c.926G>A, p.Arg309Gln (NM_153765.3); c.932G>A (NM_000220.4); short protein forms R292Q, R311Q, R309Q.
Identifiers: ClinVar variation 1482322 (VCV001482322.12), dbSNP rs373198476, ClinGen allele CA6357434.

ClinVar aggregate classification (germline): Pathogenic/Likely pathogenic. Review status: criteria provided, multiple submitters, no conflicts (2 of 4 stars). 4 submissions from 4 submitters: Pathogenic (1); Likely pathogenic (3). Last evaluated 2026-01-12.

Conditions:
Bartter disease type 2. Also called: HYPERPROSTAGLANDIN E SYNDROME 2; HYPOKALEMIC ALKALOSIS WITH HYPERCALCIURIA 2, ANTENATAL; Bartter syndrome, type 2, antenatal. Identifiers: Orphanet 112, Orphanet 620220, MedGen C1855849, MONDO:0009424, OMIM 241200.

Allele frequency attached by ClinVar (database versions not stated): ExAC 0.00002; gnomAD 0.00010 and 0.00009; TOPMed 0.00013; 1000 Genomes Project 0.00020; ESP Exome Variant Server 0.00008; gnomAD exomes 0.00001; 1000 Genomes Project 30x 0.00016.
gnomAD v4.1: 32 of 1,614,138 alleles (0.002%); highest among the groups gnomAD compares: Admixed American, 0.032%; no homozygotes.

Submissions (4):

Labcorp Genetics (formerly Invitae), Labcorp
Classification: Likely pathogenic. Last evaluated: 2026-01-12. Review status: criteria provided, single submitter. Criteria: Invitae Variant Classification Sherloc (09022015). Collection method: clinical testing. Allele origin: germline.
Comment: This sequence change replaces arginine, which is basic and polar, with glutamine, which is neutral and polar, at codon 311 of the KCNJ1 protein (p.Arg311Gln). This variant is present in population databases (rs373198476, gnomAD 0.008%). This missense change has been observed in individuals with Bartter syndrome (PMID: 10611379, 28979772, 34805638). This variant is also known as p.R292Q. ClinVar contains an entry for this variant (Variation ID: 1482322). An algorithm developed to predict the effect of missense changes on protein structure and function (PolyPhen-2) suggests that this variant is likely to be disruptive. Experimental studies have shown that this missense change affects KCNJ1 function (PMID: 10611379, 12086641, 37956218). This variant disrupts the p.Arg311 amino acid residue in KCNJ1. Other variant(s) that disrupt this residue have been determined to be pathogenic (PMID: 10611379, 18391953, 21865213, 29036958). This suggests that this residue is clinically significant, and that variants that disrupt this residue are likely to be disease-causing. In summary, the currently available evidence indicates that the variant is pathogenic, but additional data are needed to prove that conclusively. Therefore, this variant has been classified as Likely Pathogenic.

GeneDx
Classification: Likely pathogenic. Last evaluated: 2025-12-25. Review status: criteria provided, single submitter. Criteria: GeneDx Variant Classification Process June 2021. Collection method: clinical testing. Allele origin: germline.
Comment: Observed in patients with Bartter syndrome referred for genetic testing at GeneDx and in the published literature (PMID: 10611379, 28979772); Published functional studies suggest a damaging effect on channel function due to a shift in pH sensitivity (PMID: 16446432); In silico analysis supports that this missense variant has a deleterious effect on protein structure/function; Not observed at significant frequency in large population cohorts (gnomAD); This variant is associated with the following publications: (PMID: 10611379, 37956218, 37197039, 16446432, 35463019, 34805638, 28979772, 36638864)

Rare Kidney Stone Consortium and the Mayo Clinic Hyperoxaluria Center, Mayo Clinic
Classification: Pathogenic for Bartter disease type 2. Last evaluated: 2025-05-01. Review status: criteria provided, single submitter. Criteria: ACMG Guidelines, 2015. Collection method: research. Allele origin: germline.
Comment: ACMG: PS1, PM2, PP3

heterozygote

Fulgent Genetics
Classification: Likely pathogenic for Bartter disease type 2. Last evaluated: 2024-03-12. Review status: criteria provided, single submitter. Criteria: ACMG Guidelines, 2015. Collection method: clinical testing. Allele origin: germline.

Literature cited by the submitters: PubMed 10611379 (cited by Labcorp Genetics (formerly Invitae), Labcorp and Rare Kidney Stone Consortium and the Mayo Clinic Hyperoxaluria Center, Mayo Clinic); PubMed 28979772 (cited by Labcorp Genetics (formerly Invitae), Labcorp and Rare Kidney Stone Consortium and the Mayo Clinic Hyperoxaluria Center, Mayo Clinic); PubMed 34805638 (cited by Labcorp Genetics (formerly Invitae), Labcorp and Rare Kidney Stone Consortium and the Mayo Clinic Hyperoxaluria Center, Mayo Clinic); PubMed 12086641 (cited by Labcorp Genetics (formerly Invitae), Labcorp); PubMed 37956218 (cited by Labcorp Genetics (formerly Invitae), Labcorp and Rare Kidney Stone Consortium and the Mayo Clinic Hyperoxaluria Center, Mayo Clinic); PubMed 18391953 (cited by Labcorp Genetics (formerly Invitae), Labcorp); PubMed 21865213 (cited by Labcorp Genetics (formerly Invitae), Labcorp); PubMed 29036958 (cited by Labcorp Genetics (formerly Invitae), Labcorp).